The following is an entry in ClinVar:

ClinVar aggregate classification (germline): Uncertain significance (1 of 4 stars; one submission).

Allele frequency attached by ClinVar (database versions not stated): gnomAD exomes below 0.00001.
gnomAD v4.1: 6 of 1,613,946 alleles (0.00037%); highest among the groups gnomAD compares: Non-Finnish European, 0.00034%; no homozygotes.

Submission:

Labcorp Genetics (formerly Invitae), Labcorp
Classification: Uncertain significance. Last evaluated: 2022-12-14. Review status: criteria provided, single submitter. Criteria: Invitae Variant Classification Sherloc (09022015). Collection method: clinical testing. Allele origin: germline.
Comment: This variant is not present in population databases (gnomAD no frequency). This sequence change affects codon 137 of the ARHGEF1 mRNA. It is a 'silent' change, meaning that it does not change the encoded amino acid sequence of the ARHGEF1 protein. It affects a nucleotide within the consensus splice site. This variant has not been reported in the literature in individuals affected with ARHGEF1-related conditions. In summary, the available evidence is currently insufficient to determine the role of this variant in disease. Therefore, it has been classified as a Variant of Uncertain Significance. Algorithms developed to predict the effect of sequence changes on RNA splicing suggest that this variant is not likely to affect RNA splicing.

NM_004706.4(ARHGEF1):c.366T>C (p.Leu122=)

Gene: ARHGEF1 (Rho guanine nucleotide exchange factor 1; plus strand). Cytogenetic location: 19q13.2.
Variant type: single nucleotide variant.
Coding change: c.366T>C on transcript NM_004706.4 (MANE Select); coding-DNA position 366, T replaced by C.
Protein change: p.Leu122=; no amino-acid change (leucine 122 retained).
Molecular consequence: synonymous variant. On other transcripts: non-coding transcript variant (2).
Genome position (GRCh38, 1-based): chr19:41,892,372, T>C. VCF-style: chr19-41892372-T-C. GRCh37 (hg19) VCF-style: chr19-42396443-T-C.
Other names: c.366T>C, p.Leu122= (NM_001396000.1, NM_001396003.1, NM_001396006.1); c.267T>C, p.Leu89= (NM_001396002.1, NM_001396004.1, NM_198977.2); c.411T>C, p.Leu137= (NM_199002.2).
Identifiers: ClinVar variation 2898466 (VCV002898466.3), dbSNP rs967746487, ClinGen allele CA308583018.